The following is an entry in ClinVar:

ClinVar aggregate classification (germline): Pathogenic/Likely pathogenic. Review status: criteria provided, multiple submitters, no conflicts (2 of 4 stars). 3 submissions from 3 submitters: Pathogenic (1); Likely pathogenic (1). 1 of the submissions does not count toward it. Last evaluated 2025-09-13.

Conditions:
Von Hippel-Lindau syndrome (VHLS). Also called: Von Hippel-Lindau; von Hippel–Lindau syndrome; VHL syndrome. Identifiers: Orphanet 892, MedGen C0019562, MONDO:0008667, OMIM 193300. Disease mechanism: loss of function.
Chuvash polycythemia. Also called: POLYCYTHEMIA, VHL-DEPENDENT. Identifiers: Orphanet 238557, MedGen C1837915, MONDO:0009892, OMIM 263400.
Hereditary cancer-predisposing syndrome. Also called: Tumor predisposition; Hereditary neoplastic syndrome; Neoplastic Syndromes, Hereditary; Hereditary Cancer Syndrome. Identifiers: Orphanet 140162, MedGen C0027672, MeSH D009386, MONDO:0015356.

Submissions (3):

Labcorp Genetics (formerly Invitae), Labcorp
Classification: Pathogenic for Von Hippel-Lindau syndrome; Chuvash polycythemia. Last evaluated: 2025-09-13. Review status: criteria provided, single submitter. Criteria: Invitae Variant Classification Sherloc (09022015). Collection method: clinical testing. Allele origin: germline.
Comment: This sequence change replaces glycine, which is neutral and non-polar, with arginine, which is basic and polar, at codon 93 of the VHL protein (p.Gly93Arg). This variant is not present in population databases (gnomAD no frequency). This missense change has been observed in individual(s) with VHL-related conditions (PMID: 20660572, 23660872, 34655802; internal data). This variant is also known as 490G>C (p.Gly93Arg). ClinVar contains an entry for this variant (Variation ID: 223174). Invitae Evidence Modeling of protein sequence and biophysical properties (such as structural, functional, and spatial information, amino acid conservation, physicochemical variation, residue mobility, and thermodynamic stability) indicates that this missense variant is expected to disrupt VHL protein function with a positive predictive value of 95%. This variant disrupts the p.Gly93 amino acid residue in VHL. Other variant(s) that disrupt this residue have been determined to be pathogenic (PMID: 8707293, 9329368, 12000816, 17661816, 17922902). This suggests that this residue is clinically significant, and that variants that disrupt this residue are likely to be disease-causing. For these reasons, this variant has been classified as Pathogenic.

Ambry Genetics
Classification: Likely pathogenic for Hereditary cancer-predisposing syndrome. Last evaluated: 2018-02-19. Review status: criteria provided, single submitter. Criteria: Ambry Variant Classification Scheme 2023. Collection method: clinical testing. Allele origin: germline.
Comment: The p.G93R variant (also known as c.277G>C), located in coding exon 1 of the VHL gene, results from a G to C substitution at nucleotide position 277. The glycine at codon 93 is replaced by arginine, an amino acid with dissimilar properties. This alteration, also designated as 490G>C in the literature, has been reported in multiple individuals having or suspected of having a diagnosis of VHL (Klein B et al. Hum. Genet. 2001 May;108:376-84; de Cubas AA et al. Endocr. Relat. Cancer. 2013 Aug;20:477-93; Bausch B et al. J Transl Med Epidemiol. 2014 2(1):1019.This amino acid position is highly conserved in available vertebrate species. In addition, this alteration is predicted to be deleterious by in silico analysis. Based on the majority of available evidence to date, this variant is likely to be pathogenic.

Genomic Diagnostic Laboratory, Division of Genomic Diagnostics, Children's Hospital of Philadelphia
Classification: Likely pathogenic for Von Hippel-Lindau syndrome. Last evaluated: 2016-02-26. Review status: no assertion criteria provided. Collection method: clinical testing. Allele origin: germline. Affected: yes. Observed: 1 variant allele. Not counted in ClinVar's aggregate classification.

Literature cited by the submitters: PubMed 20660572 (cited by Labcorp Genetics (formerly Invitae), Labcorp); PubMed 23660872 (cited by Labcorp Genetics (formerly Invitae), Labcorp and Ambry Genetics); PubMed 34655802 (cited by Labcorp Genetics (formerly Invitae), Labcorp); PubMed 8707293 (cited by Labcorp Genetics (formerly Invitae), Labcorp); PubMed 9329368 (cited by Labcorp Genetics (formerly Invitae), Labcorp); PubMed 12000816 (cited by Labcorp Genetics (formerly Invitae), Labcorp); PubMed 17661816 (cited by Labcorp Genetics (formerly Invitae), Labcorp); PubMed 17922902 (cited by Labcorp Genetics (formerly Invitae), Labcorp); PubMed 11409863 (cited by Ambry Genetics).

NM_000551.4(VHL):c.277G>C (p.Gly93Arg)

Gene: VHL (von Hippel-Lindau tumor suppressor; plus strand). Cytogenetic location: 3p25.3.
Variant type: single nucleotide variant.
Coding change: c.277G>C on transcript NM_000551.4 (MANE Select); coding-DNA position 277, G replaced by C.
Protein change: p.Gly93Arg; replaces glycine 93 with arginine.
Molecular consequence: missense variant.
Genome position (GRCh38, 1-based): chr3:10,142,124, G>C. VCF-style: chr3-10142124-G-C. GRCh37 (hg19) VCF-style: chr3-10183808-G-C.
Other names: c.277G>C, p.Gly93Arg (NM_001354723.2, NM_198156.3); short protein forms G93R.
Identifiers: ClinVar variation 223174 (VCV000223174.11), dbSNP rs5030808, ClinGen allele CA357130.